The following is an entry in ClinVar:

ClinVar aggregate classification (germline): Conflicting classifications of pathogenicity. Review status: criteria provided, conflicting classifications (1 of 4 stars). 3 submissions from 3 submitters: Uncertain significance (2); Likely benign (1). Last evaluated 2026-08-07.

Conditions:
Familial melanoma. Also called: Hereditary melanoma; Hereditary cutaneous melanoma. Identifiers: Orphanet 618, MedGen C1512419, MONDO:0018961.
Hereditary cancer-predisposing syndrome. Also called: Hereditary Cancer Syndrome; Neoplastic Syndromes, Hereditary; Hereditary neoplastic syndrome; Tumor predisposition. Identifiers: Orphanet 140162, MedGen C0027672, MeSH D009386, MONDO:0015356.

Allele frequency attached by ClinVar (database versions not stated): gnomAD exomes below 0.00001.
gnomAD v4.1: 4 of 1,610,838 alleles (0.00025%); highest among the groups gnomAD compares: Non-Finnish European, 0.00025%; no homozygotes.

Submissions (3):

Ambry Genetics
Classification: Likely benign for Hereditary cancer-predisposing syndrome. Last evaluated: 2026-08-07. Review status: criteria provided, single submitter. Criteria: Ambry Variant Classification Scheme 2023. Collection method: clinical testing. Allele origin: germline.

Labcorp Genetics (formerly Invitae), Labcorp
Classification: Uncertain significance for Familial melanoma. Last evaluated: 2022-01-06. Review status: criteria provided, single submitter. Criteria: Invitae Variant Classification Sherloc (09022015). Collection method: clinical testing. Allele origin: germline.
Comment: This sequence change replaces leucine, which is neutral and non-polar, with arginine, which is basic and polar, at codon 37 of the CDKN2A (p16INK4a) protein (p.Leu37Arg). This variant is not present in population databases (gnomAD no frequency). This variant has not been reported in the literature in individuals affected with CDKN2A (p16INK4a)-related conditions. Algorithms developed to predict the effect of missense changes on protein structure and function (SIFT, PolyPhen-2, Align-GVGD) all suggest that this variant is likely to be tolerated. In summary, the available evidence is currently insufficient to determine the role of this variant in disease. Therefore, it has been classified as a Variant of Uncertain Significance.

Color Diagnostics, LLC DBA Color Health
Classification: Uncertain significance for Hereditary cancer-predisposing syndrome. Last evaluated: 2021-01-28. Review status: criteria provided, single submitter. Criteria: ACMG Guidelines, 2015. Collection method: clinical testing. Allele origin: germline.
Comment: This missense variant replaces leucine with arginine at codon 37 of the CDKN2A (p16INK4A) protein. Computational prediction suggests that this variant may not impact protein structure and function (internally defined REVEL score threshold <= 0.5, PMID: 27666373). To our knowledge, functional studies have not been reported for this variant. This variant has not been reported in individuals affected with hereditary cancer in the literature. This variant has not been identified in the general population by the Genome Aggregation Database (gnomAD). The available evidence is insufficient to determine the role of this variant in disease conclusively. Therefore, this variant is classified as a Variant of Uncertain Significance.

NM_000077.5(CDKN2A):c.110T>G (p.Leu37Arg)

Gene: CDKN2A (cyclin dependent kinase inhibitor 2A; minus strand). Cytogenetic location: 9p21.3.
Variant type: single nucleotide variant.
Coding change: c.110T>G on transcript NM_000077.5; coding-DNA position 110, T replaced by G.
Protein change: p.Leu37Arg; replaces leucine 37 with arginine.
Molecular consequence: missense variant (on NM_000077.6). On other transcripts: intron variant (2).
Genome position (GRCh38, 1-based): chr9:21,974,718, A>C on the plus strand (T>G on the coding strand, the complement: CDKN2A is on the minus strand). VCF-style: chr9-21974718-A-C. GRCh37 (hg19) VCF-style: chr9-21974717-A-C.
Other names: c.110T>G, p.Leu37Arg (NM_000077.6, NM_001195132.2, NM_058197.5); c.-3-3510T>G (NM_001363763.2); c.194-3510T>G (NM_058195.4); short protein forms L37R.
Identifiers: ClinVar variation 1331763 (VCV001331763.10), dbSNP rs2131112527, ClinGen allele CA373086548.